The following is an entry in ClinVar:

NM_001384474.1(LOXHD1):c.870del (p.Ala291fs)

Gene: LOXHD1 (lipoxygenase homology PLAT domains 1; minus strand). Cytogenetic location: 18q21.1.
Variant type: Deletion.
Coding change: c.870del on transcript NM_001384474.1 (MANE Select); coding-DNA position 870, one base deleted (A; older notation c.870delA).
Protein change: p.Ala291fs; shifts the reading frame from alanine 291.
Molecular consequence: frameshift variant.
Genome position (GRCh38, 1-based): chr18:46,604,119, T deleted on the plus strand (A on the coding strand, the reverse complement: LOXHD1 is on the minus strand). VCF-style (leftmost placement, unchanged base first): chr18-46604118-CT-C. GRCh37 (hg19) VCF-style: chr18-44184081-CT-C.
Other names: c.870del, p.Ala291fs (NM_144612.7); c.870delA (NM_144612.6); short protein forms A291fs.
Identifiers: ClinVar variation 1980736 (VCV001980736.6), dbSNP rs1177885503, ClinGen allele CA629503655.
Genomic context (GRCh38, chr18:46,604,118, plus strand): 5'-GGCAGAAAGTGAAATACCCAAAAGAGCCTCCCCTTTCTTCAAATCTACCTGTGGTCTCAG[CT>C]CCGCCCACTAAGATATCCCTTTGGATTTTGCCATCGTCTTCGTCCAAGGCCAGCCAGCGG-3'

ClinVar aggregate classification (germline): Pathogenic/Likely pathogenic. Review status: criteria provided, multiple submitters, no conflicts (2 of 4 stars). 3 submissions from 3 submitters: Pathogenic (1); Likely pathogenic (2). Last evaluated 2025-02-07.

Conditions:
Nonsyndromic genetic hearing loss. Also called: Non-syndromic genetic deafness; Nonsyndromic genetic deafness; Nonsyndromic hearing loss and deafness. Identifiers: Orphanet 87884, MedGen C5680182, MONDO:0019497.
Autosomal recessive nonsyndromic hearing loss 77. Identifiers: Orphanet 90636, MedGen C2746083, MONDO:0013119, OMIM 613079.

Allele frequency attached by ClinVar (database versions not stated): gnomAD exomes below 0.00001; TOPMed 0.00002; gnomAD 0.00004.

Submissions (3):

Natera, Inc.
Classification: Likely pathogenic for Autosomal recessive deafness type 77. Last evaluated: 2025-02-07. Review status: criteria provided, single submitter. Criteria: Natera Variant Classification Schema (03/2026). Collection method: clinical testing. Allele origin: germline.
Comment: The c.870delA variant in LOXHD1 is a frameshift variant predicted to shift the reading frame beginning at codon 291 and leads to a stop codon 68 codons downstream. This variant is expected to result in nonsense mediated decay, truncation, or a dysfunctional protein product. This variant is rare in the general population with a frequency below the threshold expected for the associated phenotype(s). Given the available evidence, this variant is classified as Likely Pathogenic.

Labcorp Genetics (formerly Invitae), Labcorp
Classification: Pathogenic. Last evaluated: 2023-10-18. Review status: criteria provided, single submitter. Criteria: Invitae Variant Classification Sherloc (09022015). Collection method: clinical testing. Allele origin: germline.
Comment: This sequence change creates a premature translational stop signal (p.Ala291Leufs*68) in the LOXHD1 gene. It is expected to result in an absent or disrupted protein product. Loss-of-function variants in LOXHD1 are known to be pathogenic (PMID: 19732867, 21465660, 25792669). This variant is present in population databases (no rsID available, gnomAD 0.01%). This variant has not been reported in the literature in individuals affected with LOXHD1-related conditions. ClinVar contains an entry for this variant (Variation ID: 1980736). Algorithms developed to predict the effect of sequence changes on RNA splicing suggest that this variant may disrupt the consensus splice site. For these reasons, this variant has been classified as Pathogenic.

Women's Health and Genetics/Laboratory Corporation of America, LabCorp
Classification: Likely pathogenic for Nonsyndromic genetic hearing loss. Last evaluated: 2023-02-06. Review status: criteria provided, single submitter. Criteria: LabCorp Variant Classification Summary - May 2015. Collection method: clinical testing. Allele origin: germline.
Comment: Variant summary: LOXHD1 c.870delA (p.Ala291LeufsX68) results in a premature termination codon, predicted to cause a truncation of the encoded protein or absence of the protein due to nonsense mediated decay, which are commonly known mechanisms for disease. Truncations downstream of this position have been classified as pathogenic in ClinVar and are associated with Nonsyndromic Hearing Loss in HGMD. The variant allele was found at a frequency of 6.4e-06 in 156498 control chromosomes. The available data on variant occurrences in the general population are insufficient to allow any conclusion about variant significance. To our knowledge, no occurrence of c.870delA in individuals affected with Nonsyndromic Hearing Loss And Deafness, Type 77 and no experimental evidence demonstrating its impact on protein function have been reported. No clinical diagnostic laboratories have submitted clinical-significance assessments for this variant to ClinVar after 2014. Based on the evidence outlined above, the variant was classified as likely pathogenic.

Literature cited by the submitters: PubMed 19732867 (cited by Labcorp Genetics (formerly Invitae), Labcorp); PubMed 21465660 (cited by Labcorp Genetics (formerly Invitae), Labcorp); PubMed 25792669 (cited by Labcorp Genetics (formerly Invitae), Labcorp).